The following is an entry in ClinVar:

NC_000013.11:g.(?_32315480)_(32357949_?)del

Gene: BRCA2 (BRCA2 DNA repair associated; plus strand). Cytogenetic location: 13q13.1.
Variant type: Deletion.
Identifiers: ClinVar variation 832424 (VCV000832424.8).

ClinVar aggregate classification (germline): Pathogenic (1 of 4 stars; one submission).

Conditions:
Hereditary breast ovarian cancer syndrome. Also called: Hereditary breast and/or ovarian cancer syndrome; Hereditary breast and ovarian cancer syndrome (HBOC); Breast and ovarian cancer; Hereditary breast and ovarian cancer; BRCA1- and BRCA2-Associated Hereditary Breast and Ovarian Cancer; Hereditary breast and ovarian cancer syndrome. Identifiers: Orphanet 145, MedGen C0677776, MeSH D061325, MONDO:0003582. Disease mechanism: loss of function.

Submission:

Labcorp Genetics (formerly Invitae), Labcorp
Classification: Pathogenic for Hereditary breast ovarian cancer syndrome. Last evaluated: 2022-05-10. Review status: criteria provided, single submitter. Criteria: Invitae Variant Classification Sherloc (09022015). Collection method: clinical testing. Allele origin: germline.
Comment: For these reasons, this variant has been classified as Pathogenic. This variant has not been reported in the literature in individuals affected with BRCA2-related conditions. This variant is a gross deletion of the genomic region encompassing exon(s) 1-16 of the BRCA2 gene, which includes the initiator codon. This deletion extends beyond the assayed region for this gene and therefore may encompass additional genes. It is expected to result in an absent or disrupted protein product. Loss-of-function variants in BRCA2 are known to be pathogenic (PMID: 20104584).

Literature cited by the submitters: PubMed 20104584.